The following is an entry in ClinVar:

ClinVar aggregate classification (germline): Uncertain significance (1 of 4 stars; one submission).

Conditions:
Combined immunodeficiency with skin granulomas. Identifiers: Orphanet 157949, MedGen C2673536, MONDO:0009306, OMIM 233650.
Severe combined immunodeficiency, autosomal recessive, T cell-negative, B cell-negative, NK cell-positive. Also called: SCID, T CELL-NEGATIVE, B CELL-NEGATIVE, NK CELL-POSITIVE; SCID, AR, T-cell negative, B-cell negative, NK cell-positive; Severe combined immunodeficiency due to complete RAG1/2 deficiency. Identifiers: Orphanet 331206, MedGen C1832322, MONDO:0011086, OMIM 601457.

Allele frequency attached by ClinVar (database versions not stated): gnomAD exomes below 0.00001.
gnomAD v4.1: 4 of 1,614,246 alleles (0.00025%); no homozygotes.

Submission:

Labcorp Genetics (formerly Invitae), Labcorp
Classification: Uncertain significance for Combined immunodeficiency with skin granulomas; Severe combined immunodeficiency, autosomal recessive, T cell-negative, B cell-negative, NK cell-positive. Last evaluated: 2023-12-11. Review status: criteria provided, single submitter. Criteria: Invitae Variant Classification Sherloc (09022015). Collection method: clinical testing. Allele origin: germline.
Comment: This sequence change replaces isoleucine, which is neutral and non-polar, with valine, which is neutral and non-polar, at codon 311 of the RAG2 protein (p.Ile311Val). This variant is not present in population databases (gnomAD no frequency). This variant has not been reported in the literature in individuals affected with RAG2-related conditions. ClinVar contains an entry for this variant (Variation ID: 2195493). Advanced modeling of protein sequence and biophysical properties (such as structural, functional, and spatial information, amino acid conservation, physicochemical variation, residue mobility, and thermodynamic stability) performed at Invitae indicates that this missense variant is expected to disrupt RAG2 protein function with a positive predictive value of 80%. In summary, the available evidence is currently insufficient to determine the role of this variant in disease. Therefore, it has been classified as a Variant of Uncertain Significance.

NM_000536.4(RAG2):c.931A>G (p.Ile311Val)

Gene: RAG2 (recombination activating 2; minus strand). Cytogenetic location: 11p12.
Variant type: single nucleotide variant.
Coding change: c.931A>G on transcript NM_000536.4 (MANE Select); coding-DNA position 931, A replaced by G.
Protein change: p.Ile311Val; replaces isoleucine 311 with valine.
Molecular consequence: missense variant.
Genome position (GRCh38, 1-based): chr11:36,593,238, T>C on the plus strand (A>G on the coding strand, the complement: RAG2 is on the minus strand). VCF-style: chr11-36593238-T-C. GRCh37 (hg19) VCF-style: chr11-36614788-T-C.
Other names: c.931A>G, p.Ile311Val (NM_001243785.2, NM_001243786.2); short protein forms I311V.
Identifiers: ClinVar variation 2195493 (VCV002195493.4), dbSNP rs2133312946, ClinGen allele CA380141729.
Genomic context (GRCh38, chr11:36,593,238, plus strand): 5'-TGCCAAGAAAAACAGTTCCATTTCCCATGTTGCTTCCAAACCATATCTTGCTGTGCTTAA[T>C]GTCTGGGGTCCAATCTGGGGTCTCCATCTCACGAATTTCTATCTTGTTGTCCTCTAAAGA-3'
Protein context (NP_000527.2, residues 301-321): EMETPDWTPD[Ile311Val]KHSKIWFGSN